The following is an entry in ClinVar:

NM_004655.4(AXIN2):c.1460_1472dup (p.Pro494fs)

Gene: AXIN2 (axin 2; minus strand). Cytogenetic location: 17q24.1.
Variant type: Duplication.
Coding change: c.1460_1472dup on transcript NM_004655.4 (MANE Select); coding-DNA positions 1460 to 1472, 13 bases duplicated (TGCCTCCCGCGGC).
Protein change: p.Pro494fs; shifts the reading frame from proline 494.
Molecular consequence: frameshift variant.
Genome position (GRCh38, 1-based): chr17:65,537,564-65,537,576, GCCGCGGGAGGCA duplicated on the plus strand (TGCCTCCCGCGGC on the coding strand, the reverse complement: AXIN2 is on the minus strand); duplicating any 13 consecutive bases within chr17:65,537,564-65,537,578 gives the same sequence; the c. name uses the placement nearest the transcript's 3' end. VCF-style (leftmost placement, unchanged base first): chr17-65537563-G-GGCCGCGGGAGGCA. GRCh37 (hg19) VCF-style: chr17-63533681-G-GGCCGCGGGAGGCA.
Other names: c.1460_1472dup (LRG_296t1); c.1460_1472dup, p.Pro494fs (NM_001363813.1); c.1460_1472dupTGCCTCCCGCGGC (NM_004655.3); short protein forms P494fs.
Identifiers: ClinVar variation 599333 (VCV000599333.10), dbSNP rs1567755946, ClinGen allele CA913191103.

ClinVar aggregate classification (germline): Pathogenic. Review status: criteria provided, multiple submitters, no conflicts (2 of 4 stars). 3 submissions from 3 submitters: Pathogenic (3). Last evaluated 2023-05-17.

Conditions:
Oligodontia. Identifiers: MedGen C4082304, HP:0000677.
Colorectal cancer. Also called: Malignant Colorectal Neoplasm; Colorectal cancer, somatic. Identifiers: MedGen C0346629, MONDO:0005575, OMIM 114500.
Oligodontia-cancer predisposition syndrome. Also called: TOOTH AGENESIS-COLORECTAL CANCER SYNDROME. Identifiers: Orphanet 300576, MedGen C1837750, MONDO:0012075, OMIM 608615. Disease mechanism: loss of function.

Submissions (3):

Myriad Genetics, Inc.
Classification: Pathogenic for Oligodontia-cancer predisposition syndrome. Last evaluated: 2023-05-17. Review status: criteria provided, single submitter. Criteria: Myriad Autosomal Dominant, Autosomal Recessive and X-Linked Classification Criteria (2023). Collection method: clinical testing. Allele origin: unknown.
Comment: This variant is considered pathogenic. This variant creates a frameshift predicted to result in premature protein truncation.

Labcorp Genetics (formerly Invitae), Labcorp
Classification: Pathogenic for Oligodontia-cancer predisposition syndrome. Last evaluated: 2022-02-19. Review status: criteria provided, single submitter. Criteria: Invitae Variant Classification Sherloc (09022015). Collection method: clinical testing. Allele origin: germline.
Comment: This sequence change creates a premature translational stop signal (p.Pro494Argfs*138) in the AXIN2 gene. It is expected to result in an absent or disrupted protein product. Loss-of-function variants in AXIN2 are known to be pathogenic (PMID: 15042511, 21416598). This variant is not present in population databases (gnomAD no frequency). This variant has not been reported in the literature in individuals affected with AXIN2-related conditions. ClinVar contains an entry for this variant (Variation ID: 599333). For these reasons, this variant has been classified as Pathogenic.

CSER _CC_NCGL, University of Washington
Classification: Pathogenic for Colorectal cancer; Oligodontia. Last evaluated: 2016-03-01. Review status: criteria provided, single submitter. Criteria: Amendola et al. (Genome Res. 2015). Collection method: research. Allele origin: germline. Affected: yes. Study: CSER - NEXT Medicine variant annotation.
Comment: This interpretation considers GERP score and allele frequency data, in addition to published reports of the variant in the literature, available at the time of review.

Literature cited by the submitters: PubMed 15042511 (cited by Labcorp Genetics (formerly Invitae), Labcorp); PubMed 21416598 (cited by Labcorp Genetics (formerly Invitae), Labcorp).